The following is an entry in ClinVar:

ClinVar aggregate classification (germline): Uncertain significance (1 of 4 stars; one submission).

Allele frequency attached by ClinVar (database versions not stated): TOPMed below 0.00001.
gnomAD v4.1: 9 of 1,614,170 alleles (0.00056%); highest among the groups gnomAD compares: Non-Finnish European, 0.00076%; no homozygotes.

Submission:

Ambry Genetics
Classification: Uncertain significance. Last evaluated: 2023-12-30. Review status: criteria provided, single submitter. Criteria: Ambry Variant Classification Scheme 2023. Collection method: clinical testing. Allele origin: germline.
Comment: The p.P271S variant (also known as c.811C>T), located in coding exon 1 of the PALLD gene, results from a C to T substitution at nucleotide position 811. The proline at codon 271 is replaced by serine, an amino acid with similar properties. This amino acid position is conserved. In addition, this alteration is predicted to be deleterious by in silico analysis. Since supporting evidence is limited at this time, the clinical significance of this alteration remains unclear.

NM_001166108.2(PALLD):c.811C>T (p.Pro271Ser)

Gene: PALLD (palladin, cytoskeletal associated protein; plus strand). Cytogenetic location: 4q32.3.
Variant type: single nucleotide variant.
Coding change: c.811C>T on transcript NM_001166108.2 (MANE Select); coding-DNA position 811, C replaced by T.
Protein change: p.Pro271Ser; replaces proline 271 with serine.
Molecular consequence: missense variant.
Genome position (GRCh38, 1-based): chr4:168,512,315, C>T. VCF-style: chr4-168512315-C-T. GRCh37 (hg19) VCF-style: chr4-169433466-C-T.
Other names: c.811C>T, p.Pro271Ser (NM_016081.4); short protein forms P271S.
Identifiers: ClinVar variation 1762073 (VCV001762073.2), dbSNP rs1762596378, ClinGen allele CA358728429.